The following is an entry in ClinVar:

ClinVar aggregate classification (germline): Pathogenic/Likely pathogenic. Review status: criteria provided, multiple submitters, no conflicts (2 of 4 stars). 2 submissions from 2 submitters: Pathogenic (1); Likely pathogenic (1). Last evaluated 2022-10-14.

Conditions:
ABCA4-related disorder. Also called: ABCA4-related disorders; ABCA4-related condition. Identifiers: MedGen CN239167.

Submissions (2):

Blueprint Genetics
Classification: Likely pathogenic for ABCA4-related disorders. Last evaluated: 2022-10-14. Review status: criteria provided, single submitter. Criteria: ACMG Guidelines, 2015. Collection method: clinical testing. Allele origin: germline. Affected: yes. Observed: 1 variant allele.

Labcorp Genetics (formerly Invitae), Labcorp
Classification: Pathogenic. Last evaluated: 2022-06-22. Review status: criteria provided, single submitter. Criteria: Invitae Variant Classification Sherloc (09022015). Collection method: clinical testing. Allele origin: germline.
Comment: This sequence change creates a premature translational stop signal (p.Val929Glyfs*11) in the ABCA4 gene. It is expected to result in an absent or disrupted protein product. Loss-of-function variants in ABCA4 are known to be pathogenic (PMID: 10958761, 24938718, 25312043, 26780318). This variant is not present in population databases (gnomAD no frequency). This premature translational stop signal has been observed in individual(s) with ABCA4-related conditions (PMID: 25097241, 31212395). For these reasons, this variant has been classified as Pathogenic.

Literature cited by the submitters: PubMed 10958761 (cited by Labcorp Genetics (formerly Invitae), Labcorp); PubMed 24938718 (cited by Labcorp Genetics (formerly Invitae), Labcorp); PubMed 25312043 (cited by Labcorp Genetics (formerly Invitae), Labcorp); PubMed 26780318 (cited by Labcorp Genetics (formerly Invitae), Labcorp); PubMed 25097241 (cited by Labcorp Genetics (formerly Invitae), Labcorp); PubMed 31212395 (cited by Labcorp Genetics (formerly Invitae), Labcorp).

NM_000350.3(ABCA4):c.2785dup (p.Val929fs)

Gene: ABCA4 (ATP binding cassette subfamily A member 4; minus strand). Cytogenetic location: 1p22.1.
Variant type: Duplication.
Coding change: c.2785dup on transcript NM_000350.3 (MANE Select); coding-DNA position 2785, one base duplicated (G; older notation c.2785dupG).
Protein change: p.Val929fs; shifts the reading frame from valine 929.
Molecular consequence: frameshift variant.
Genome position (GRCh38, 1-based): chr1:94,047,052, C duplicated on the plus strand (G on the coding strand, the reverse complement: ABCA4 is on the minus strand); the first of 4 consecutive C bases (chr1:94,047,052-94,047,055); duplicating any one gives the same sequence. VCF-style (leftmost placement, unchanged base first): chr1-94047051-A-AC. GRCh37 (hg19) VCF-style: chr1-94512607-A-AC.
Other names: c.2560dup, p.Val855Glyfs (NM_001425324.1); short protein forms V929fs.
Identifiers: ClinVar variation 2202798 (VCV002202798.5), dbSNP rs2523791418, ClinGen allele CA2580063350.
Genomic context (GRCh38, chr1:94,047,051, plus strand): 5'-AGACGGTCCACAGCTGGCCGGCCACAGGGCTCAAAAATCTTTACCAGATTCTTCACGCAT[A>AC]CCCCAGGAACCCACCCTGGATGCTCACGTTCAAAGAAGGAGTCTTGGAGGAAAAAAAATG-3'